The following is an entry in ClinVar:

ClinVar aggregate classification (germline): Conflicting classifications of pathogenicity. Review status: criteria provided, conflicting classifications (1 of 4 stars). 4 submissions from 4 submitters: Likely pathogenic (1); Uncertain significance (3). Last evaluated 2023-02-23.

Conditions:
Leukodystrophy, hypomyelinating, 10. Also called: PYCR2-related microcephaly-progressive leukoencephalopathy. Identifiers: Orphanet 481152, MedGen C4225332, MONDO:0014632, OMIM 616420.

Allele frequency attached by ClinVar (database versions not stated): TOPMed below 0.00001; gnomAD 0.00001.

Submissions (4):

3billion
Classification: Uncertain significance for Leukodystrophy, hypomyelinating, 10. Last evaluated: 2023-02-23. Review status: criteria provided, single submitter. Criteria: ACMG Guidelines, 2015. Collection method: clinical testing. Allele origin: unknown. Affected: yes.
Comment: The variant is observed at an extremely low frequency in the gnomAD v2.1.1 dataset (total allele frequency: <0.001%). Same nucleotide change resulting in same amino acid change has been previously reported to be associated with PYCR2 related disorder (ClinVar ID: VCV001188580). However, the evidence of pathogenicity is insufficient at this time. Therefore, this variant is classified as VUS according to the recommendation of ACMG/AMP guideline.

GeneDx
Classification: Uncertain significance. Last evaluated: 2020-04-21. Review status: criteria provided, single submitter. Criteria: GeneDx Variant Classification Process June 2021. Collection method: clinical testing. Allele origin: germline. Affected: yes.
Comment: In silico analysis, which includes protein predictors and evolutionary conservation, supports a deleterious effect; Not observed at a significant frequency in large population cohorts (Lek et al., 2016); Has not been previously published as pathogenic or benign to our knowledge

Blueprint Genetics
Classification: Uncertain significance. Last evaluated: 2019-02-06. Review status: criteria provided, single submitter. Criteria: ACMG Guidelines, 2015. Collection method: clinical testing. Allele origin: germline.

Pathology and Clinical Laboratory Medicine, King Fahad Medical City
Classification: Likely pathogenic for Leukodystrophy, hypomyelinating, 10. Review status: criteria provided, single submitter. Criteria: ACMG Guidelines, 2015. Collection method: clinical testing. Allele origin: germline. Affected: yes. Observed: 2 variant alleles.

NM_013328.4(PYCR2):c.40G>C (p.Ala14Pro)

Gene: PYCR2 (pyrroline-5-carboxylate reductase 2; minus strand). Cytogenetic location: 1q42.12.
Variant type: single nucleotide variant.
Coding change: c.40G>C on transcript NM_013328.4 (MANE Select); coding-DNA position 40, G replaced by C.
Protein change: p.Ala14Pro; replaces alanine 14 with proline.
Molecular consequence: missense variant.
Genome position (GRCh38, 1-based): chr1:225,924,071, C>G on the plus strand (G>C on the coding strand, the complement: PYCR2 is on the minus strand). VCF-style: chr1-225924071-C-G. GRCh37 (hg19) VCF-style: chr1-226111771-C-G.
Other names: c.40G>C, p.Ala14Pro (NM_001271681.2); short protein forms A14P.
Identifiers: ClinVar variation 1188580 (VCV001188580.5), dbSNP rs1210762206, ClinGen allele CA345009133.